The following is an entry in ClinVar:

ClinVar aggregate classification (germline): Pathogenic. Review status: criteria provided, multiple submitters, no conflicts (2 of 4 stars). 8 submissions from 8 submitters: Pathogenic (7). 1 of the submissions does not count toward it. Last evaluated 2026-01-02.

Conditions:
DLX3-related disorder. Also called: DLX3-related condition.
Inborn genetic diseases. Identifiers: MedGen C0950123, MeSH D030342.
Tricho-dento-osseous syndrome (TDO). Also called: TDO SYNDROME. Identifiers: Orphanet 3352, MedGen C0265333, MONDO:0008592, OMIM 190320.
Hypomaturation-hypoplastic amelogenesis imperfecta with taurodontism. Also called: Amelogenesis imperfecta, type IV. Identifiers: Orphanet 100034, Orphanet 88661, MedGen C1863012, MONDO:0007093, OMIM 104510. Disease mechanism: loss of function.

Submissions (8):

Clinical Genomics Laboratory, Washington University in St. Louis
Classification: Pathogenic for Tricho-dento-osseous syndrome. Last evaluated: 2026-01-02. Review status: criteria provided, single submitter. Criteria: ACMG Guidelines, 2015. Collection method: clinical testing. Allele origin: germline. Affected: yes.
Comment: The DLX3 c.571_574del (p.Gly191Argfs*66) variant has been previously observed in individuals with Tricho-Dento-Osseous syndrome (Price JA et al., PMID: 9467018, Price JA et al., PMID: 9783705) and segregates with this condition. This variant has been reported in the ClinVar database as a germline pathogenic variant by four submitters. This variant is absent from the general population (gnomAD v2.1.1), indicating it is not a common variant. This variant causes a frameshift by deleting four nucleotides, leading to a premature termination codon; however, because this occurs in the last exon, this is not predicted to lead to nonsense mediated decay. At least one other frameshift has been observed downstream of this variant and is considered likely pathogenic (Whitehouse LLE et al., PMID: 30095208). Functional studies show that this variant results in delayed cellular senescence and enhanced osteoblastic differentiation and bone formation, indicating this variant impacts protein function (Choi et al., PMID: 17950683; Zhao et al., PMID: 27924851). Based on available information and the ACMG/AMP guidelines for variant interpretation (Richards S et al., PMID: 25741868), this variant is classified as pathogenic.

GeneDx
Classification: Pathogenic. Last evaluated: 2025-12-23. Review status: criteria provided, single submitter. Criteria: GeneDx Variant Classification Process June 2021. Collection method: clinical testing. Allele origin: germline. Affected: yes.
Comment: Identified in unrelated patients with DLX3-related amelogenesis imperfecta referred for genetic testing at GeneDx and in the published literature (PMID: 9783705, 22671030); Frameshift variant predicted to result in abnormal protein length as the last 97 amino acid(s) are replaced with 65 different amino acid(s), and other similar variants have been reported in HGMD; Published functional studies demonstrate a damaging effect as this variant causes defective transcriptional activity and impairs the expression of cell cycle regulatory proteins and skin differentiation markers (PMID: 18492670, 21520071); Not observed at significant frequency in large population cohorts (gnomAD); This variant is associated with the following publications: (PMID: 27924851, 21520071, 17950683, 20510228, 22671030, 18203197, 18362318, 9783705, 18492670)

Ambry Genetics
Classification: Pathogenic for Inborn genetic diseases. Last evaluated: 2025-10-14. Review status: criteria provided, single submitter. Criteria: Ambry Variant Classification Scheme 2023. Collection method: clinical testing. Allele origin: germline.
Comment: The c.571_574delGGGG (p.G191Rfs*66) alteration, located in exon 3 (coding exon 3) of the DLX3 gene, consists of a deletion of 4 nucleotides from position 571 to 574, causing a translational frameshift with a predicted alternate stop codon after 66 amino acids. Frameshift alterations are typically deleterious in nature (Richards, 2015); however, loss of function of DLX3 has not been established as a mechanism of disease. This alteration occurs at the 3' terminus of the DLX3 gene and is not expected to trigger nonsense-mediated mRNA decay. This variant was not reported in population-based cohorts in the Genome Aggregation Database (gnomAD). This variant was identified in one or more individuals with features consistent with trichodontoosseous syndrome (Price, 1998; external communication) and segregated with disease in at least one family (Hart, 1997; Price, 1998). In multiple assays testing DLX3 function, this variant showed functionally abnormal results (Choi, 2008; Duverger, 2008; Di Costanzo, 2011; Zhao, 2016). An animal model expressing this variant exhibited phenotype(s) consistent with trichodentoosseous syndrome (Choi 2009; Choi 2010). Based on the available evidence, this alteration is classified as pathogenic.

Labcorp Genetics (formerly Invitae), Labcorp
Classification: Pathogenic. Last evaluated: 2024-08-15. Review status: criteria provided, single submitter. Criteria: Invitae Variant Classification Sherloc (09022015). Collection method: clinical testing. Allele origin: germline.
Comment: This sequence change creates a premature translational stop signal (p.Gly191Argfs*66) in the DLX3 gene. While this is not anticipated to result in nonsense mediated decay, it is expected to disrupt the last 97 amino acid(s) of the DLX3 protein. This variant is not present in population databases (gnomAD no frequency). This premature translational stop signal has been observed in individual(s) with Trichodontoosseous syndrome (PMID: 9467018). It has also been observed to segregate with disease in related individuals. ClinVar contains an entry for this variant (Variation ID: 9072). Algorithms developed to predict the effect of variants on gene product structure and function are not available or were not evaluated for this variant. Experimental studies have shown that this premature translational stop signal affects DLX3 function (PMID: 17950683, 18492670, 20510228, 21520071, 27924851). Algorithms developed to predict the effect of sequence changes on RNA splicing suggest that this variant may create or strengthen a splice site. For these reasons, this variant has been classified as Pathogenic.

Fulgent Genetics
Classification: Pathogenic for Hypomaturation-hypoplastic amelogenesis imperfecta with taurodontism; Tricho-dento-osseous syndrome. Last evaluated: 2024-03-16. Review status: criteria provided, single submitter. Criteria: ACMG Guidelines, 2015. Collection method: clinical testing. Allele origin: germline.

PreventionGenetics, part of Exact Sciences
Classification: Pathogenic for DLX3-related condition. Last evaluated: 2023-03-16. Review status: criteria provided, single submitter. Criteria: ACMG Guidelines, 2015. Collection method: clinical testing. Allele origin: germline.
Comment: The DLX3 c.571_574delGGGG variant is predicted to result in a frameshift and premature protein termination (p.Gly191Argfs*66). This variant has been previously reported in individuals with tricho-dento-osseous syndrome (Price et al. 1998. PubMed ID: 9467018; Price et al. 1998. PubMed ID: 9783705; Nguyen et al. 2013. PubMed ID: 22671030). In vitro functional studies found that the presence of this variant delayed cellular senescence, and enhanced osteoblastic differentiation and bone formation (Choi et al. 2008. PubMed ID: 17950683; Zhao et al 2016. PubMed ID: 27924851). This variant has not been reported in a large population database, indicating this variant is rare. Frameshift variants in DLX3 are expected to be pathogenic. This variant is interpreted as pathogenic.

Blueprint Genetics
Classification: Pathogenic for DLX3-related disorders. Last evaluated: 2019-05-23. Review status: criteria provided, single submitter. Criteria: ACMG Guidelines, 2015. Collection method: clinical testing. Allele origin: germline. Affected: yes. Observed: 2 variant alleles.

OMIM
Classification: Pathogenic for TRICHODENTOOSSEOUS SYNDROME. Last evaluated: 1998-10-01. Review status: no assertion criteria provided. Collection method: literature only. Allele origin: germline. Not counted in ClinVar's aggregate classification.

Literature cited by the submitters: PubMed 9361034 (cited by Ambry Genetics); PubMed 9467018 (cited by 3 submitters); PubMed 17950683 (cited by Ambry Genetics and Labcorp Genetics (formerly Invitae), Labcorp); PubMed 18492670 (cited by Ambry Genetics and Labcorp Genetics (formerly Invitae), Labcorp); PubMed 21520071 (cited by Ambry Genetics and Labcorp Genetics (formerly Invitae), Labcorp); PubMed 27924851 (cited by Ambry Genetics and Labcorp Genetics (formerly Invitae), Labcorp); PubMed 20510228 (cited by Labcorp Genetics (formerly Invitae), Labcorp); PubMed 9783705 (cited by OMIM).

NM_005220.3(DLX3):c.571_574del (p.Gly191fs)

Gene: DLX3 (distal-less homeobox 3; minus strand). Cytogenetic location: 17q21.33.
Variant type: Deletion.
Coding change: c.571_574del on transcript NM_005220.3 (MANE Select); coding-DNA positions 571 to 574, 4 bases deleted (GGGG; older notation c.571_574delGGGG).
Protein change: p.Gly191fs; shifts the reading frame from glycine 191.
Molecular consequence: frameshift variant.
Genome position (GRCh38, 1-based): chr17:49,991,807-49,991,810, CCCC deleted on the plus strand (GGGG on the coding strand, the reverse complement: DLX3 is on the minus strand). VCF-style (leftmost placement, unchanged base first): chr17-49991806-TCCCC-T. GRCh37 (hg19) VCF-style: chr17-48069170-TCCCC-T.
Other names: c.571_574delGGGG (NM_005220.2); c.571_574del (NM_005220.2); short protein forms G191fs.
Identifiers: ClinVar variation 9072 (VCV000009072.16), dbSNP rs387906405, ClinGen allele CA340865.
Genomic context (GRCh38, chr17:49,991,806, plus strand): 5'-GATGGTGGTGAGTTGCAGGCCATGGAATCACTGTTATTGGGACTGTGCTCCAGCGGCACC[TCCCC>T]GTTCTTGTAGAGTTTCTTGAACTTGGAACGGCGGTTCTGGAACCAGATTTTCACCTGGGC-3'